The following is an entry in ClinVar:

ClinVar aggregate classification (germline): Uncertain significance. Review status: criteria provided, multiple submitters, no conflicts (2 of 4 stars). 4 submissions from 4 submitters: Uncertain significance (4). Last evaluated 2026-09-01.

Conditions:
Inborn genetic diseases. Identifiers: MedGen C0950123, MeSH D030342.

Allele frequency attached by ClinVar (database versions not stated): gnomAD 0.00003; gnomAD exomes 0.00003 and 0.00004; ExAC 0.00006; TOPMed 0.00002.
gnomAD v4.1: 44 of 1,613,996 alleles (0.0027%); highest among the groups gnomAD compares: Admixed American, 0.012%; no homozygotes.

Submissions (4):

CeGaT Center for Human Genetics Tuebingen
Classification: Uncertain significance. Last evaluated: 2026-09-01. Review status: criteria provided, single submitter. Criteria: CeGaT Center For Human Genetics Tuebingen Variant Classification Criteria Version 2. Collection method: clinical testing. Allele origin: germline. Affected: yes. Observed: 1 variant allele.
Comment: IMPG2: PM2, BP4

Ambry Genetics
Classification: Uncertain significance for Inborn genetic diseases. Last evaluated: 2024-05-20. Review status: criteria provided, single submitter. Criteria: Ambry Variant Classification Scheme 2023. Collection method: clinical testing. Allele origin: germline.

Blueprint Genetics
Classification: Uncertain significance. Last evaluated: 2022-09-21. Review status: criteria provided, single submitter. Criteria: ACMG Guidelines, 2015. Collection method: clinical testing. Allele origin: germline.

Labcorp Genetics (formerly Invitae), Labcorp
Classification: Uncertain significance. Last evaluated: 2022-07-05. Review status: criteria provided, single submitter. Criteria: Invitae Variant Classification Sherloc (09022015). Collection method: clinical testing. Allele origin: germline.
Comment: This variant is present in population databases (rs755831515, gnomAD 0.01%). This sequence change replaces valine, which is neutral and non-polar, with alanine, which is neutral and non-polar, at codon 831 of the IMPG2 protein (p.Val831Ala). This variant has not been reported in the literature in individuals affected with IMPG2-related conditions. ClinVar contains an entry for this variant (Variation ID: 1046781). Algorithms developed to predict the effect of missense changes on protein structure and function (SIFT, PolyPhen-2, Align-GVGD) all suggest that this variant is likely to be tolerated. In summary, the available evidence is currently insufficient to determine the role of this variant in disease. Therefore, it has been classified as a Variant of Uncertain Significance.

NM_016247.4(IMPG2):c.2492T>C (p.Val831Ala)

Gene: IMPG2 (interphotoreceptor matrix proteoglycan 2; minus strand). Cytogenetic location: 3q12.3.
Variant type: single nucleotide variant.
Coding change: c.2492T>C on transcript NM_016247.4 (MANE Select); coding-DNA position 2492, T replaced by C.
Protein change: p.Val831Ala; replaces valine 831 with alanine.
Molecular consequence: missense variant.
Genome position (GRCh38, 1-based): chr3:101,243,839, A>G on the plus strand (T>C on the coding strand, the complement: IMPG2 is on the minus strand). VCF-style: chr3-101243839-A-G. GRCh37 (hg19) VCF-style: chr3-100962683-A-G.
Other names: c.2492T>C (NM_016247.3); short protein forms V831A.
Identifiers: ClinVar variation 1046781 (VCV001046781.10), dbSNP rs755831515, ClinGen allele CA2518965.
Genomic context (GRCh38, chr3:101,243,839, plus strand): 5'-TGATAGTAATCTGTGCCTATCCGGTCCAGTTCTAACGAAATATCCTGTACACCCATAATT[A>G]CTTCATCCTCTAGCAGGGTGGAGATTGTGGTTGGAGGCAATTTGGTAGACTGTGTCACAG-3'
Protein context (NP_057331.2, residues 821-841): TTISTLLEDE[Val831Ala]IMGVQDISLE